The following is an entry in ClinVar:

NM_001164508.2(NEB):c.19382_19383delinsTG (p.Asp6461Val)

Gene: NEB (nebulin; minus strand). Cytogenetic location: 2q23.3.
Variant type: Indel.
Coding change: c.19382_19383delinsTG on transcript NM_001164508.2 (MANE Select); coding-DNA positions 19382 to 19383, AT replaced by TG.
Protein change: p.Asp6461Val; replaces aspartic acid 6461 with valine.
Molecular consequence: missense variant.
Genome position (GRCh38, 1-based): chr2:151,554,976-151,554,977, AT replaced by CA on the plus strand (AT replaced by TG on the coding strand, the reverse complement: NEB is on the minus strand). VCF-style: chr2-151554976-AT-CA. GRCh37 (hg19) VCF-style: chr2-152411490-AT-CA.
Other names: c.19382_19383delinsTG, p.Asp6461Val (NM_001164507.2, NM_001271208.2); c.14279_14280delinsTG, p.Asp4760Val (NM_004543.5); short protein forms D4760V, D6461V.
Identifiers: ClinVar variation 1967054 (VCV001967054.5), dbSNP rs2552185988, ClinGen allele CA2580064102.

ClinVar aggregate classification (germline): Uncertain significance (1 of 4 stars; one submission).

Conditions:
Nemaline myopathy 2 (NEM2). Also called: Nemaline myopathy 2, autosomal recessive. Identifiers: MedGen C1850569, MONDO:0009725, OMIM 256030.

Submission:

Labcorp Genetics (formerly Invitae), Labcorp
Classification: Uncertain significance for Nemaline myopathy 2. Last evaluated: 2022-03-04. Review status: criteria provided, single submitter. Criteria: Invitae Variant Classification Sherloc (09022015). Collection method: clinical testing. Allele origin: germline.
Comment: In summary, the available evidence is currently insufficient to determine the role of this variant in disease. Therefore, it has been classified as a Variant of Uncertain Significance. Experimental studies and prediction algorithms are not available or were not evaluated, and the functional significance of this variant is currently unknown. This variant has not been reported in the literature in individuals affected with NEB-related conditions. Information on the frequency of this variant in the gnomAD database is not available, as this variant may be reported differently in the database. This sequence change replaces aspartic acid, which is acidic and polar, with valine, which is neutral and non-polar, at codon 6461 of the NEB protein (p.Asp6461Val).